The following is an entry in ClinVar:

NM_001267550.2(TTN):c.41566A>G (p.Asn13856Asp)

Gene: TTN (titin; minus strand). Cytogenetic location: 2q31.2.
Variant type: single nucleotide variant.
Coding change: c.41566A>G on transcript NM_001267550.2 (MANE Select); coding-DNA position 41566, A replaced by G.
Protein change: p.Asn13856Asp; replaces asparagine 13856 with aspartic acid.
Molecular consequence: missense variant.
Genome position (GRCh38, 1-based): chr2:178,636,005, T>C on the plus strand (A>G on the coding strand, the complement: TTN is on the minus strand). VCF-style: chr2-178636005-T-C. GRCh37 (hg19) VCF-style: chr2-179500732-T-C.
Other names: c.33862A>G, p.Asn11288Asp (NM_133378.4); c.14746A>G, p.Asn4916Asp (NM_133432.3); c.14947A>G, p.Asn4983Asp (NM_133437.4); c.36643A>G, p.Asn12215Asp (NM_001256850.1); c.14371A>G, p.Asn4791Asp (NM_003319.4); short protein forms N11288D, N12215D, N13856D, N4791D, N4916D, N4983D.
Identifiers: ClinVar variation 2651644 (VCV002651644.24), dbSNP rs2471612339, ClinGen allele CA349658124.

ClinVar aggregate classification (germline): Uncertain significance (1 of 4 stars; one submission).

Submission:

CeGaT Center for Human Genetics Tuebingen
Classification: Uncertain significance. Last evaluated: 2023-08-01. Review status: criteria provided, single submitter. Criteria: CeGaT Center For Human Genetics Tuebingen Variant Classification Criteria Version 2. Collection method: clinical testing. Allele origin: germline. Affected: yes. Observed: 1 variant allele.
Comment: TTN: PM2